The following is an entry in ClinVar:

NM_000092.5(COL4A4):c.*4194C>T

Gene: COL4A4 (collagen type IV alpha 4 chain; minus strand). Cytogenetic location: 2q36.3.
Variant type: single nucleotide variant.
Coding change: c.*4194C>T on transcript NM_000092.5 (MANE Select); 4194 bases downstream of the stop codon, C replaced by T.
Molecular consequence: 3 prime UTR variant.
Genome position (GRCh38, 1-based): chr2:227,003,131, G>A on the plus strand (C>T on the coding strand, the complement: COL4A4 is on the minus strand). VCF-style: chr2-227003131-G-A. GRCh37 (hg19) VCF-style: chr2-227867847-G-A.
Identifiers: ClinVar variation 896772 (VCV000896772.28), dbSNP rs540904446, ClinGen allele CA67237770.

ClinVar aggregate classification (germline): Conflicting classifications of pathogenicity. Review status: criteria provided, conflicting classifications (1 of 4 stars). 2 submissions from 2 submitters: Uncertain significance (1); Likely benign (1). Last evaluated 2023-03-01.

Conditions:
Alport syndrome. Also called: Hemorrhagic familial nephritis; Hemorrhagic hereditary nephritis; Congenital hereditary hematuria. Identifiers: Orphanet 63, MedGen C1567741, MONDO:0018965.

Allele frequency attached by ClinVar (database versions not stated): 1000 Genomes Project 30x 0.00141; 1000 Genomes Project 0.00160; gnomAD 0.00418 and 0.00467; TOPMed 0.00533.

Submissions (2):

CeGaT Center for Human Genetics Tuebingen
Classification: Likely benign. Last evaluated: 2023-03-01. Review status: criteria provided, single submitter. Criteria: CeGaT Center For Human Genetics Tuebingen Variant Classification Criteria Version 2. Collection method: clinical testing. Allele origin: germline. Affected: yes. Observed: 1 variant allele.
Comment: COL4A4: BS2

Illumina Laboratory Services, Illumina
Classification: Uncertain significance for Alport syndrome. Last evaluated: 2018-01-12. Review status: criteria provided, single submitter. Criteria: ICSL Variant Classification Criteria 13 December 2019. Collection method: clinical testing. Allele origin: germline.